The following is an entry in ClinVar:

NM_001318852.2(MAPK8IP3):c.2142C>T (p.Val714=)

Gene: MAPK8IP3 (mitogen-activated protein kinase 8 interacting protein 3; plus strand). Cytogenetic location: 16p13.3.
Variant type: single nucleotide variant.
Coding change: c.2142C>T on transcript NM_001318852.2 (MANE Select); coding-DNA position 2142, C replaced by T.
Protein change: p.Val714=; no amino-acid change (valine 714 retained).
Molecular consequence: synonymous variant.
Genome position (GRCh38, 1-based): chr16:1,764,321, C>T. VCF-style: chr16-1764321-C-T. GRCh37 (hg19) VCF-style: chr16-1814322-C-T.
Other names: c.2121C>T, p.Val707= (NM_001040439.2); c.2139C>T, p.Val713= (NM_015133.5, NM_033392.3).
Identifiers: ClinVar variation 3046949 (VCV003046949.2), dbSNP rs370199618, ClinGen allele CA7817159.

ClinVar aggregate classification (germline): Likely benign (0 of 4 stars; one submission).

Conditions:
MAPK8IP3-related disorder. Also called: MAPK8IP3-related condition.

Allele frequency attached by ClinVar (database versions not stated): 1000 Genomes Project 0.00020; ExAC 0.00031; 1000 Genomes Project 30x 0.00047; ESP Exome Variant Server 0.00049; gnomAD 0.00053; TOPMed 0.00053.
gnomAD v4.1: 153 of 1,576,416 alleles (0.0097%); highest among the groups gnomAD compares: African/African-American, 0.18%; no homozygotes.

Submission:

PreventionGenetics, part of Exact Sciences
Classification: Likely benign for MAPK8IP3-related condition. Last evaluated: 2023-02-09. Review status: no assertion criteria provided. Collection method: clinical testing. Allele origin: germline.
Comment: This variant is classified as likely benign based on ACMG/AMP sequence variant interpretation guidelines (Richards et al. 2015 PMID: 25741868, with internal and published modifications).